The following is an entry in ClinVar:

ClinVar aggregate classification (germline): Conflicting classifications of pathogenicity. Review status: criteria provided, conflicting classifications (1 of 4 stars). 2 submissions from 2 submitters: Uncertain significance (1); Likely benign (1). Last evaluated 2025-07-22.

Conditions:
Cardiovascular phenotype. Identifiers: MedGen CN230736.
Alstrom syndrome (ALMS). Identifiers: Orphanet 64, MedGen C0268425, MONDO:0008763, OMIM 203800.

Allele frequency attached by ClinVar (database versions not stated): TOPMed below 0.00001; gnomAD exomes 0.00001; gnomAD 0.00002.
gnomAD v4.1: 16 of 1,614,036 alleles (0.00099%); highest among the groups gnomAD compares: African/African-American, 0.0027%; no homozygotes.

Submissions (2):

Ambry Genetics
Classification: Likely benign for Cardiovascular phenotype. Last evaluated: 2025-07-22. Review status: criteria provided, single submitter. Criteria: Ambry Variant Classification Scheme 2023. Collection method: clinical testing. Allele origin: germline.

Labcorp Genetics (formerly Invitae), Labcorp
Classification: Uncertain significance for Alstrom syndrome. Last evaluated: 2022-05-18. Review status: criteria provided, single submitter. Criteria: Invitae Variant Classification Sherloc (09022015). Collection method: clinical testing. Allele origin: germline.
Comment: This sequence change replaces valine, which is neutral and non-polar, with isoleucine, which is neutral and non-polar, at codon 2977 of the ALMS1 protein (p.Val2977Ile). This variant is present in population databases (no rsID available, gnomAD 0.01%). This variant has not been reported in the literature in individuals affected with ALMS1-related conditions. Experimental studies and prediction algorithms are not available or were not evaluated, and the functional significance of this variant is currently unknown. In summary, the available evidence is currently insufficient to determine the role of this variant in disease. Therefore, it has been classified as a Variant of Uncertain Significance.

NM_001378454.1(ALMS1):c.8926G>A (p.Val2976Ile)

Gene: ALMS1 (ALMS1 centrosome and basal body associated protein; plus strand). Cytogenetic location: 2p13.1.
Variant type: single nucleotide variant.
Coding change: c.8926G>A on transcript NM_001378454.1 (MANE Select); coding-DNA position 8926, G replaced by A.
Protein change: p.Val2976Ile; replaces valine 2976 with isoleucine.
Molecular consequence: missense variant.
Genome position (GRCh38, 1-based): chr2:73,490,885, G>A. VCF-style: chr2-73490885-G-A. GRCh37 (hg19) VCF-style: chr2-73718012-G-A.
Other names: c.8929G>A, p.Val2977Ile (NM_015120.4); short protein forms V2977I, V2976I.
Identifiers: ClinVar variation 1467543 (VCV001467543.4), dbSNP rs1298787753, ClinGen allele CA347271613.
Genomic context (GRCh38, chr2:73,490,885, plus strand): 5'-ATAGCTTCAGACCTTCCGTCTCCCATTTCTCTTGAACAATGCCAAAGCAAAGCGCCAGGT[G>A]TAGATGACCAAATGAATAAACACCATTTTCCCCTTCCTCAAGGTCAGGATTGTGTAGTGG-3'
Protein context (NP_001365383.1, residues 2966-2986): LEQCQSKAPG[Val2976Ile]DDQMNKHHFP